The following is an entry in ClinVar:

ClinVar aggregate classification (germline): Uncertain significance. Review status: criteria provided, multiple submitters, no conflicts (2 of 4 stars). 2 submissions from 2 submitters: Uncertain significance (2). Last evaluated 2022-08-16.

Allele frequency attached by ClinVar (database versions not stated): gnomAD exomes below 0.00001; ExAC 0.00002.
gnomAD v4.1: 2 of 1,614,100 alleles (0.00012%); highest among the groups gnomAD compares: Non-Finnish European, 0.00017%; no homozygotes.

Submissions (2):

Labcorp Genetics (formerly Invitae), Labcorp
Classification: Uncertain significance. Last evaluated: 2022-08-16. Review status: criteria provided, single submitter. Criteria: Invitae Variant Classification Sherloc (09022015). Collection method: clinical testing. Allele origin: germline.
Comment: Algorithms developed to predict the effect of missense changes on protein structure and function (SIFT, PolyPhen-2, Align-GVGD) all suggest that this variant is likely to be disruptive. This variant has not been reported in the literature in individuals affected with CACNA1D-related conditions. This variant is present in population databases (rs759563699, gnomAD 0.002%). This sequence change replaces threonine, which is neutral and polar, with alanine, which is neutral and non-polar, at codon 1604 of the CACNA1D protein (p.Thr1604Ala). In summary, the available evidence is currently insufficient to determine the role of this variant in disease. Therefore, it has been classified as a Variant of Uncertain Significance.

GeneDx
Classification: Uncertain significance. Last evaluated: 2022-07-14. Review status: criteria provided, single submitter. Criteria: GeneDx Variant Classification Process June 2021. Collection method: clinical testing. Allele origin: germline. Affected: yes.
Comment: In silico analysis supports that this missense variant has a deleterious effect on protein structure/function; Has not been previously published as pathogenic or benign to our knowledge

NM_001128840.3(CACNA1D):c.4750A>G (p.Thr1584Ala)

Gene: CACNA1D (calcium voltage-gated channel subunit alpha1 D; plus strand). Cytogenetic location: 3p21.1.
Variant type: single nucleotide variant.
Coding change: c.4750A>G on transcript NM_001128840.3 (MANE Select); coding-DNA position 4750, A replaced by G.
Protein change: p.Thr1584Ala; replaces threonine 1584 with alanine.
Molecular consequence: missense variant.
Genome position (GRCh38, 1-based): chr3:53,781,625, A>G. VCF-style: chr3-53781625-A-G. GRCh37 (hg19) VCF-style: chr3-53815652-A-G.
Other names: c.4810A>G, p.Thr1604Ala (NM_000720.4); c.4705A>G, p.Thr1569Ala (NM_001128839.3); short protein forms T1569A, T1584A, T1604A.
Identifiers: ClinVar variation 1878708 (VCV001878708.6), dbSNP rs759563699, ClinGen allele CA2454974.